The following is an entry in ClinVar:

NM_020911.2(PLXNA4):c.1923G>A (p.Glu641=)

Gene: PLXNA4 (plexin A4; minus strand). Cytogenetic location: 7q32.3.
Variant type: single nucleotide variant.
Coding change: c.1923G>A on transcript NM_020911.2 (MANE Select); coding-DNA position 1923, G replaced by A.
Protein change: p.Glu641=; no amino-acid change (glutamic acid 641 retained).
Molecular consequence: synonymous variant.
Genome position (GRCh38, 1-based): chr7:132,226,220, C>T on the plus strand (G>A on the coding strand, the complement: PLXNA4 is on the minus strand). VCF-style: chr7-132226220-C-T. GRCh37 (hg19) VCF-style: chr7-131910979-C-T.
Other names: c.1923G>A, p.Glu641= (NM_001393897.1).
Identifiers: ClinVar variation 4985780 (VCV004985780.1).

ClinVar aggregate classification (germline): Likely benign (1 of 4 stars; one submission).

Conditions:
PLXNA4-related disorder. Also called: PLXNA4-related condition.

gnomAD v4.1: 4 of 1,613,778 alleles (0.00025%); highest among the groups gnomAD compares: African/African-American, 0.004%; no homozygotes.

Submission:

PreventionGenetics, part of Exact Sciences
Classification: Likely benign for PLXNA4-related condition. Last evaluated: 2025-06-13. Review status: criteria provided, single submitter. Criteria: ACMG Guidelines, 2015. Collection method: clinical testing. Allele origin: germline.
Comment: This variant is classified as likely benign based on ACMG/AMP sequence variant interpretation guidelines (Richards et al. 2015 PMID: 25741868, with internal and published modifications).